The following is an entry in ClinVar:

ClinVar aggregate classification (germline): Pathogenic/Likely pathogenic. Review status: criteria provided, multiple submitters, no conflicts (2 of 4 stars). 2 submissions from 2 submitters: Pathogenic (1); Likely pathogenic (1). Last evaluated 2025-03-13.

Conditions:
Cerebellar atrophy, visual impairment, and psychomotor retardation;. Also called: Cerebellar atrophy, visual impairment, and psychomotor retardation. Identifiers: MedGen C4225172, MONDO:0014811, OMIM 616875.

Submissions (2):

Variantyx, Inc.
Classification: Likely pathogenic for Cerebellar atrophy, visual impairment, and psychomotor retardation;. Last evaluated: 2025-03-13. Review status: criteria provided, single submitter. Criteria: Variantyx Assertion Criteria 2022. Collection method: clinical testing. Allele origin: germline. Inheritance: Autosomal recessive inheritance.
Comment: This is a frameshift variant in the EMC1 gene (OMIM: 616846). Pathogenic variants in this gene have been associated with autosomal recessive cerebellar atrophy, visual impairment, and psychomotor delay. This variant introduces a premature termination codon in exon 19 out of 23 and is expected to result in loss of function, which is a known disease mechanism for EMC1 in this disorder (PMID: 26942288, 29271071) (PVS1). This variant has a 0.0011% maximum allele frequency in non-founder control populations (PM2). Based on the current evidence, this variant is classified as likely pathogenic for autosomal recessive cerebellar atrophy, visual impairment, and psychomotor delay.

Labcorp Genetics (formerly Invitae), Labcorp
Classification: Pathogenic. Last evaluated: 2023-04-09. Review status: criteria provided, single submitter. Criteria: Invitae Variant Classification Sherloc (09022015). Collection method: clinical testing. Allele origin: germline.
Comment: For these reasons, this variant has been classified as Pathogenic. ClinVar contains an entry for this variant (Variation ID: 1451685). This variant has not been reported in the literature in individuals affected with EMC1-related conditions. This variant is present in population databases (rs766168717, gnomAD 0.0009%). This sequence change creates a premature translational stop signal (p.Asn739Thrfs*6) in the EMC1 gene. It is expected to result in an absent or disrupted protein product. Loss-of-function variants in EMC1 are known to be pathogenic (PMID: 26572623, 26942288, 29271071).

Literature cited by the submitters: PubMed 26942288 (cited by Variantyx, Inc. and Labcorp Genetics (formerly Invitae), Labcorp); PubMed 29271071 (cited by Variantyx, Inc. and Labcorp Genetics (formerly Invitae), Labcorp); PubMed 26572623 (cited by Labcorp Genetics (formerly Invitae), Labcorp).

NM_015047.3(EMC1):c.2216del (p.Asn739fs)

Genes: EMC1 (ER membrane protein complex subunit 1; minus strand), EMC1-AS1 (EMC1 antisense RNA 1; plus strand). Cytogenetic location: 1p36.13.
Variant type: Deletion.
Coding change: c.2216del on transcript NM_015047.3 (MANE Select); coding-DNA position 2216, one base deleted (A; older notation c.2216delA).
Protein change: p.Asn739fs; shifts the reading frame from asparagine 739.
Molecular consequence: frameshift variant.
Genome position (GRCh38, 1-based): chr1:19,223,556, T deleted on the plus strand (A on the coding strand, the reverse complement: EMC1 is on the minus strand); the first of 2 consecutive T bases (chr1:19,223,556-19,223,557); deleting either gives the same sequence. VCF-style (leftmost placement, unchanged base first): chr1-19223555-GT-G. GRCh37 (hg19) VCF-style: chr1-19550049-GT-G.
Other names: c.2213del, p.Asn738fs (NM_001271427.2, NM_001271428.2); c.2150del, p.Asn717fs (NM_001271429.2); c.2225del, p.Asn742fs (NM_001375820.1); c.2222del, p.Asn741fs (NM_001375821.1); short protein forms N738fs, N739fs, N742fs, N741fs, N717fs.
Identifiers: ClinVar variation 1451685 (VCV001451685.7), dbSNP rs766168717, ClinGen allele CA18811038.